The following is an entry in ClinVar:

ClinVar aggregate classification (germline): Conflicting classifications of pathogenicity. Review status: criteria provided, conflicting classifications (1 of 4 stars). 2 submissions from 2 submitters: Uncertain significance (1); Likely benign (1). Last evaluated 2023-03-23.

Conditions:
Hereditary cancer-predisposing syndrome. Also called: Hereditary neoplastic syndrome; Neoplastic Syndromes, Hereditary; Tumor predisposition; Hereditary Cancer Syndrome. Identifiers: Orphanet 140162, MedGen C0027672, MeSH D009386, MONDO:0015356.
Hereditary breast ovarian cancer syndrome. Also called: Hereditary breast and/or ovarian cancer syndrome; Hereditary breast and ovarian cancer syndrome; Hereditary breast and ovarian cancer; Hereditary breast and ovarian cancer syndrome (HBOC); Breast and ovarian cancer; BRCA1- and BRCA2-Associated Hereditary Breast and Ovarian Cancer. Identifiers: Orphanet 145, MedGen C0677776, MeSH D061325, MONDO:0003582. Disease mechanism: loss of function.

Submissions (2):

University of Washington Department of Laboratory Medicine, University of Washington
Classification: Likely benign for Hereditary cancer-predisposing syndrome. Last evaluated: 2023-03-23. Review status: criteria provided, single submitter. Criteria: Dines et al. (Genet Med. 2020). Collection method: curation. Allele origin: germline.
Comment: Missense variant in a coldspot region where missense variants are very unlikely to be pathogenic (PMID:31911673).

BRCA1 coldspot (exon 11 using historical exon numbering). Reclassification based on statistical prior probability

Labcorp Genetics (formerly Invitae), Labcorp
Classification: Uncertain significance for Hereditary breast ovarian cancer syndrome. Last evaluated: 2020-01-07. Review status: criteria provided, single submitter. Criteria: Invitae Variant Classification Sherloc (09022015). Collection method: clinical testing. Allele origin: germline.
Comment: In summary, the available evidence is currently insufficient to determine the role of this variant in disease. Therefore, it has been classified as a Variant of Uncertain Significance. Algorithms developed to predict the effect of missense changes on protein structure and function are either unavailable or do not agree on the potential impact of this missense change (SIFT: "Tolerated"; PolyPhen-2: "Possibly Damaging"; Align-GVGD: "Class C0"). This variant has not been reported in the literature in individuals with BRCA1-related conditions. This variant is not present in population databases (ExAC no frequency). This sequence change replaces serine with tyrosine at codon 891 of the BRCA1 protein (p.Ser891Tyr). The serine residue is weakly conserved and there is a large physicochemical difference between serine and tyrosine.

NM_007294.4(BRCA1):c.2672C>A (p.Ser891Tyr)

Gene: BRCA1 (BRCA1 DNA repair associated; minus strand). Cytogenetic location: 17q21.31.
Variant type: single nucleotide variant.
Coding change: c.2672C>A on transcript NM_007294.4 (MANE Select); coding-DNA position 2672, C replaced by A.
Protein change: p.Ser891Tyr; replaces serine 891 with tyrosine.
Molecular consequence: missense variant. On other transcripts: intron variant (137).
Genome position (GRCh38, 1-based): chr17:43,092,859, G>T on the plus strand (C>A on the coding strand, the complement: BRCA1 is on the minus strand). VCF-style: chr17-43092859-G-T. GRCh37 (hg19) VCF-style: chr17-41244876-G-T.
Other names: c.2459C>A, p.Ser820Tyr (NM_001407571.1, NM_001407853.1, NM_001407894.1 and 9 more transcripts); c.2672C>A, p.Ser891Tyr (NM_001407581.1, NM_001407582.1, NM_001407583.1 and 30 more transcripts); c.2669C>A, p.Ser890Tyr (NM_001407587.1, NM_001407590.1, NM_001407591.1 and 22 more transcripts); c.2663C>A, p.Ser888Tyr (NM_001407646.1, NM_001407647.1); c.2549C>A, p.Ser850Tyr (NM_001407648.1, NM_001407664.1, NM_001407665.1 and 19 more transcripts); c.2546C>A, p.Ser849Tyr (NM_001407649.1, NM_001407670.1, NM_001407671.1 and 11 more transcripts); c.2594C>A, p.Ser865Tyr (NM_001407653.1, NM_001407654.1, NM_001407655.1 and 4 more transcripts); c.2591C>A, p.Ser864Tyr (NM_001407659.1, NM_001407660.1, NM_001407661.1 and 1 more transcripts); and 41 more; short protein forms S891Y, S844Y, S723Y, S763Y, S780Y, S820Y, S824Y, S865Y.
Identifiers: ClinVar variation 942267 (VCV000942267.13), dbSNP rs2053717743, ClinGen allele CA10596654.